The following is an entry in ClinVar:

NM_022455.5(NSD1):c.6045T>G (p.Tyr2015Ter)

Gene: NSD1 (nuclear receptor binding SET domain protein 1; plus strand). Cytogenetic location: 5q35.3.
Variant type: single nucleotide variant.
Coding change: c.6045T>G on transcript NM_022455.5 (MANE Select); coding-DNA position 6045, T replaced by G.
Protein change: p.Tyr2015Ter; replaces tyrosine 2015 with a stop codon.
Molecular consequence: nonsense. On other transcripts: intron variant (1).
Genome position (GRCh38, 1-based): chr5:177,283,822, T>G. VCF-style: chr5-177283822-T-G. GRCh37 (hg19) VCF-style: chr5-176710823-T-G.
Other names: c.5172T>G, p.Tyr1724Ter (NM_001365684.2, NM_001409308.1, NM_172349.5); c.6045T>G, p.Tyr2015Ter (NM_001409301.1, NM_001409302.1, NM_001409303.1); c.5625T>G, p.Tyr1875Ter (NM_001409304.1); c.5292T>G, p.Tyr1764Ter (NM_001409305.1); c.5283T>G, p.Tyr1761Ter (NM_001409306.1, NM_001409307.1); c.5136+1241T>G (NM_001409309.1); short protein forms Y1761*, Y1875*, Y2015*, Y1724*, Y1764*.
Identifiers: ClinVar variation 3407960 (VCV003407960.1).

ClinVar aggregate classification (germline): Pathogenic (1 of 4 stars; one submission).

Conditions:
Inborn genetic diseases. Identifiers: MedGen C0950123, MeSH D030342.

Submission:

Ambry Genetics
Classification: Pathogenic for Inborn genetic diseases. Last evaluated: 2024-09-23. Review status: criteria provided, single submitter. Criteria: Ambry Variant Classification Scheme 2023. Collection method: clinical testing. Allele origin: germline.
Comment: The c.6045T>G (p.Y2015*) alteration, located in exon 20 (coding exon 19) of the NSD1 gene, consists of a T to G substitution at nucleotide position 6045. This changes the amino acid from a tyrosine (Y) to a stop codon at amino acid position 2015. This alteration is expected to result in loss of function by premature protein truncation or nonsense-mediated mRNA decay. This variant was not reported in population-based cohorts in the Genome Aggregation Database (gnomAD). Based on the available evidence, this alteration is classified as pathogenic.